The following is an entry in ClinVar:

ClinVar aggregate classification (germline): Uncertain significance (1 of 4 stars; one submission).

Conditions:
Catecholaminergic polymorphic ventricular tachycardia (CVPT). Also called: Catecholamine-induced polymorphic ventricular tachycardia. Identifiers: Orphanet 3286, MedGen C5574922, MONDO:0017990.

gnomAD v4.1: 2 of 1,606,918 alleles (0.00012%); highest among the groups gnomAD compares: Non-Finnish European, 0.00017%; no homozygotes.

Submission:

All of Us Research Program, National Institutes of Health
Classification: Uncertain significance for Catecholaminergic polymorphic ventricular tachycardia. Last evaluated: 2024-05-30. Review status: criteria provided, single submitter. Criteria: ACMG Guidelines, 2015. Collection method: clinical testing. Allele origin: germline. Inheritance: Autosomal dominant inheritance. Observed: 1 variant allele, 1 heterozygote.
Comment: This missense variant replaces proline with leucine at codon 3167 of the RYR2 protein. Computational prediction suggests that this variant may have deleterious impact on protein structure and function (internally defined REVEL score threshold >= 0.7, PMID: 27666373). To our knowledge, functional studies have not been reported for this variant. This variant has not been reported in individuals affected with RYR2-related disorders in the literature. This variant has not been identified in the general population by the Genome Aggregation Database (gnomAD). The available evidence is insufficient to determine the role of this variant in disease conclusively. Therefore, this variant is classified as a Variant of Uncertain Significance.

This study involves interpretation of variants in research participants for the purpose of population health screening. Participant phenotype was not available at the time of variant classification. Additional details can be found in publication PMID: 35346344, PMCID: PMC8962531

NM_001035.3(RYR2):c.9500C>T (p.Pro3167Leu)

Gene: RYR2 (ryanodine receptor 2; plus strand). Cytogenetic location: 1q43.
Variant type: single nucleotide variant.
Coding change: c.9500C>T on transcript NM_001035.3 (MANE Select); coding-DNA position 9500, C replaced by T.
Protein change: p.Pro3167Leu; replaces proline 3167 with leucine.
Molecular consequence: missense variant.
Genome position (GRCh38, 1-based): chr1:237,705,263, C>T. VCF-style: chr1-237705263-C-T. GRCh37 (hg19) VCF-style: chr1-237868563-C-T.
Other names: short protein forms P3167L.
Identifiers: ClinVar variation 3385817 (VCV003385817.1).